The following is an entry in ClinVar:

NM_001849.4(COL6A2):c.2998_3000del (p.Lys1000del)

Gene: COL6A2 (collagen type VI alpha 2 chain; plus strand). Cytogenetic location: 21q22.3.
Variant type: Deletion.
Coding change: c.2998_3000del on transcript NM_001849.4 (MANE Select); coding-DNA positions 2998 to 3000, 3 bases deleted (AAG; older notation c.2998_3000delAAG).
Protein change: p.Lys1000del; deletes lysine 1000.
Molecular consequence: inframe deletion.
Genome position (GRCh38, 1-based): chr21:46,132,490-46,132,492, AAG deleted; deleting any 3 consecutive bases within chr21:46,132,488-46,132,492 gives the same sequence; the c. name uses the placement nearest the transcript's 3' end. VCF-style (leftmost placement, unchanged base first): chr21-46132487-GAGA-G. GRCh37 (hg19) VCF-style: chr21-47552401-GAGA-G.
Other names: c.2998_3000delAAG (NM_001849.4); short protein forms K1000del.
Identifiers: ClinVar variation 496879 (VCV000496879.15), dbSNP rs750794022, ClinGen allele CA10073131.

ClinVar aggregate classification (germline): Uncertain significance. Review status: criteria provided, multiple submitters, no conflicts (2 of 4 stars). 4 submissions from 4 submitters: Uncertain significance (4). Last evaluated 2025-01-06.

Conditions:
Bethlem myopathy 1A. Also called: Bethlem Muscular Dystrophy; MYOPATHY, BENIGN CONGENITAL, WITH CONTRACTURES; Bethlem myopathy 1. Identifiers: Orphanet 610, MedGen CN029274, MONDO:0024530, OMIM 158810.

Submissions (4):

Women's Health and Genetics/Laboratory Corporation of America, LabCorp
Classification: Uncertain significance. Last evaluated: 2025-01-06. Review status: criteria provided, single submitter. Criteria: LabCorp Variant Classification Summary - May 2015. Collection method: clinical testing. Allele origin: germline.
Comment: Variant summary: COL6A2 c.2998_3000delAAG (p.Lys1000del) results in an in-frame deletion that is predicted to remove one amino acid from the third von Willebrand factor, type A domain (IPR002035) of the encoded protein. The variant allele was found at a frequency of 4.8e-05 in 1600304 control chromosomes (gnomAD v4.1). This frequency is not higher than the maximum estimated for a pathogenic variant in COL6A2 causing Ullrich congenital muscular dystrophy 1-AR (4.8e-05 vs 0.0035), allowing no conclusion about variant significance. To our knowledge, no occurrence of c.2998_3000delAAG in individuals affected with Ullrich congenital muscular dystrophy 1-AR and no experimental evidence demonstrating its impact on protein function have been reported. ClinVar contains an entry for this variant (Variation ID: 496879). Based on the evidence outlined above, the variant was classified as uncertain significance.

Labcorp Genetics (formerly Invitae), Labcorp
Classification: Uncertain significance for Bethlem myopathy 1A. Last evaluated: 2024-10-23. Review status: criteria provided, single submitter. Criteria: Invitae Variant Classification Sherloc (09022015). Collection method: clinical testing. Allele origin: germline.
Comment: This variant, c.2998_3000del, results in the deletion of 1 amino acid(s) of the COL6A2 protein (p.Lys1000del), but otherwise preserves the integrity of the reading frame. This variant is present in population databases (rs750794022, gnomAD 0.04%). This variant has not been reported in the literature in individuals affected with COL6A2-related conditions. ClinVar contains an entry for this variant (Variation ID: 496879). Experimental studies and prediction algorithms are not available or were not evaluated, and the functional significance of this variant is currently unknown. In summary, the available evidence is currently insufficient to determine the role of this variant in disease. Therefore, it has been classified as a Variant of Uncertain Significance.

Revvity Omics, Revvity
Classification: Uncertain significance. Last evaluated: 2020-11-04. Review status: criteria provided, single submitter. Criteria: ACMG Guidelines, 2015. Collection method: clinical testing. Allele origin: germline.

Eurofins Ntd Llc (ga)
Classification: Uncertain significance. Last evaluated: 2016-11-30. Review status: criteria provided, single submitter. Criteria: EGL Classification Definitions 2015. Collection method: clinical testing. Allele origin: germline. Observed: 3 variant alleles, 3 heterozygotes.